The following is an entry in ClinVar:

NM_016932.5(SIX2):c.496A>C (p.Thr166Pro)

Gene: SIX2 (SIX homeobox 2; minus strand). Cytogenetic location: 2p21.
Variant type: single nucleotide variant.
Coding change: c.496A>C on transcript NM_016932.5 (MANE Select); coding-DNA position 496, A replaced by C.
Protein change: p.Thr166Pro; replaces threonine 166 with proline.
Molecular consequence: missense variant.
Genome position (GRCh38, 1-based): chr2:45,008,615, T>G on the plus strand (A>C on the coding strand, the complement: SIX2 is on the minus strand). VCF-style: chr2-45008615-T-G. GRCh37 (hg19) VCF-style: chr2-45235754-T-G.
Other names: short protein forms T166P.
Identifiers: ClinVar variation 2650866 (VCV002650866.24), dbSNP rs2466631129, ClinGen allele CA346801619.
Genomic context (GRCh38, chr2:45,008,615, plus strand): 5'-CCTTGGCCTCGGCCGCCCGGTCGCGCTGCCGCCGGTTCTTGAACCAGTTGCTGACCTGTG[T>G]GGTGGTGAGGCCCGTGGCCTCCGCCAGCTCACGCTTCTCGCGGGGTGAAGGGTAGGGGTT-3'
Protein context (NP_058628.3, residues 156-176): ELAEATGLTT[Thr166Pro]QVSNWFKNRR

ClinVar aggregate classification (germline): Uncertain significance (1 of 4 stars; one submission).

Submission:

CeGaT Center for Human Genetics Tuebingen
Classification: Uncertain significance. Last evaluated: 2022-12-01. Review status: criteria provided, single submitter. Criteria: CeGaT Center For Human Genetics Tuebingen Variant Classification Criteria Version 2. Collection method: clinical testing. Allele origin: germline. Affected: yes. Observed: 1 variant allele.
Comment: SIX2: PM2, PP3